The following is an entry in ClinVar:

ClinVar aggregate classification (germline): Uncertain significance (1 of 4 stars; one submission).

Allele frequency attached by ClinVar (database versions not stated): gnomAD exomes 0.00001.

Submission:

Labcorp Genetics (formerly Invitae), Labcorp
Classification: Uncertain significance. Last evaluated: 2024-03-04. Review status: criteria provided, single submitter. Criteria: Invitae Variant Classification Sherloc (09022015). Collection method: clinical testing. Allele origin: germline.
Comment: This sequence change replaces proline, which is neutral and non-polar, with glutamine, which is neutral and polar, at codon 7 of the MESP2 protein (p.Pro7Gln). This variant is not present in population databases (gnomAD no frequency). This variant has not been reported in the literature in individuals affected with MESP2-related conditions. ClinVar contains an entry for this variant (Variation ID: 1428670). Algorithms developed to predict the effect of missense changes on protein structure and function output the following: SIFT: "Not Available"; PolyPhen-2: "Benign"; Align-GVGD: "Not Available". The glutamine amino acid residue is found in multiple mammalian species, which suggests that this missense change does not adversely affect protein function. In summary, the available evidence is currently insufficient to determine the role of this variant in disease. Therefore, it has been classified as a Variant of Uncertain Significance.

NM_001039958.2(MESP2):c.20C>A (p.Pro7Gln)

Gene: MESP2 (mesoderm posterior bHLH transcription factor 2; plus strand). Cytogenetic location: 15q26.1.
Variant type: single nucleotide variant.
Coding change: c.20C>A on transcript NM_001039958.2 (MANE Select); coding-DNA position 20, C replaced by A.
Protein change: p.Pro7Gln; replaces proline 7 with glutamine.
Molecular consequence: missense variant.
Genome position (GRCh38, 1-based): chr15:89,776,377, C>A. VCF-style: chr15-89776377-C-A. GRCh37 (hg19) VCF-style: chr15-90319608-C-A.
Other names: short protein forms P7Q.
Identifiers: ClinVar variation 1428670 (VCV001428670.7), dbSNP rs920363154, ClinGen allele CA274596760.